The following is an entry in ClinVar:

ClinVar aggregate classification (germline): Uncertain significance (1 of 4 stars; one submission).

Conditions:
Inborn genetic diseases. Identifiers: MedGen C0950123, MeSH D030342.

gnomAD v4.1: 9 of 1,561,538 alleles (0.00058%); highest among the groups gnomAD compares: South Asian, 0.0059%; no homozygotes.

Submission:

Ambry Genetics
Classification: Uncertain significance for Inborn genetic diseases. Last evaluated: 2024-11-30. Review status: criteria provided, single submitter. Criteria: Ambry Variant Classification Scheme 2023. Collection method: clinical testing. Allele origin: germline.
Comment: The p.G367A variant (also known as c.1100G>C) is located in coding exon 10 of the PAX5 gene. The glycine at codon 367 is replaced by alanine, an amino acid with similar properties. This change occurs in the first base pair of coding exon 10. This amino acid position is conserved. In addition, this alteration is predicted to be deleterious by in silico analysis. Based on the available evidence, the clinical significance of this variant remains unclear.

NM_016734.3(PAX5):c.1100G>C (p.Gly367Ala)

Gene: PAX5 (paired box 5; minus strand). Cytogenetic location: 9p13.2.
Variant type: single nucleotide variant.
Coding change: c.1100G>C on transcript NM_016734.3 (MANE Select); coding-DNA position 1100, G replaced by C.
Protein change: p.Gly367Ala; replaces glycine 367 with alanine.
Molecular consequence: missense variant. On other transcripts: non-coding transcript variant (2).
Genome position (GRCh38, 1-based): chr9:36,840,636, C>G on the plus strand (G>C on the coding strand, the complement: PAX5 is on the minus strand). VCF-style: chr9-36840636-C-G. GRCh37 (hg19) VCF-style: chr9-36840633-C-G.
Other names: c.998G>C, p.Gly333Ala (NM_001280547.2); c.1013G>C, p.Gly338Ala (NM_001280548.2); c.868G>C, p.Ala290Pro (NM_001280549.2); c.781G>C, p.Ala261Pro (NM_001280550.2); c.587G>C, p.Gly196Ala (NM_001280551.2); c.911G>C, p.Gly304Ala (NM_001280552.2); c.884G>C, p.Gly295Ala (NM_001280553.2); c.971G>C, p.Gly324Ala (NM_001280554.2); and 2 more; short protein forms G367A, A261P, G196A, A290P, G259A, G295A, G304A, G324A.
Identifiers: ClinVar variation 3414547 (VCV003414547.1).